The following is an entry in ClinVar:

ClinVar aggregate classification (germline): Conflicting classifications of pathogenicity. Review status: criteria provided, conflicting classifications (1 of 4 stars). 2 submissions from 2 submitters: Likely pathogenic (1); Uncertain significance (1). Last evaluated 2026-08-10.

Conditions:
Argininosuccinate lyase deficiency. Also called: ARGININOSUCCINIC ACID LYASE DEFICIENCY; ASL DEFICIENCY; Argininosuccinic aciduria. Identifiers: Orphanet 23, MedGen C0268547, MONDO:0008815, OMIM 207900, HP:0025630.

Submissions (2):

Myriad Genetics, Inc.
Classification: Uncertain significance for Argininosuccinate lyase deficiency. Last evaluated: 2026-08-10. Review status: criteria provided, single submitter. Criteria: Myriad Autosomal Dominant, Autosomal Recessive and X-Linked Classification Criteria (2023). Collection method: clinical testing. Allele origin: unknown.
Comment: NM_001024943.1(ASL):c.63G>A(M21I) is a missense variant classified as a variant of uncertain significance in the context of argininosuccinic aciduria. M21I has not been observed in cases with relevant disease. Relevant functional assessments of this variant are not available in the literature. M21I has not been observed in referenced population frequency databases. In summary, there is insufficient evidence to classify NM_001024943.1(ASL):c.63G>A(M21I) as pathogenic or benign. Please note: this variant was assessed in the context of healthy population screening.

Labcorp Genetics (formerly Invitae), Labcorp
Classification: Likely pathogenic for Argininosuccinate lyase deficiency. Last evaluated: 2025-12-29. Review status: criteria provided, single submitter. Criteria: Invitae Variant Classification Sherloc (09022015). Collection method: clinical testing. Allele origin: germline.
Comment: This sequence change replaces methionine, which is neutral and non-polar, with isoleucine, which is neutral and non-polar, at codon 21 of the ASL protein (p.Met21Ile). This variant is not present in population databases (gnomAD no frequency). This variant has not been reported in the literature in individuals affected with ASL-related conditions. Invitae Evidence Modeling of protein sequence and biophysical properties (such as structural, functional, and spatial information, amino acid conservation, physicochemical variation, residue mobility, and thermodynamic stability) indicates that this missense variant is expected to disrupt ASL protein function with a positive predictive value of 95%. This variant disrupts the p.Met21 amino acid residue in ASL. Other variant(s) that disrupt this residue have been determined to be pathogenic (internal data). This suggests that this residue is clinically significant, and that variants that disrupt this residue are likely to be disease-causing. In summary, the currently available evidence indicates that the variant is pathogenic, but additional data are needed to prove that conclusively. Therefore, this variant has been classified as Likely Pathogenic.

NM_000048.4(ASL):c.63G>A (p.Met21Ile)

Gene: ASL (argininosuccinate lyase; plus strand). Cytogenetic location: 7q11.21.
Variant type: single nucleotide variant.
Coding change: c.63G>A on transcript NM_000048.4 (MANE Select); coding-DNA position 63, G replaced by A.
Protein change: p.Met21Ile; replaces methionine 21 with isoleucine.
Molecular consequence: missense variant.
Genome position (GRCh38, 1-based): chr7:66,081,853, G>A. VCF-style: chr7-66081853-G-A. GRCh37 (hg19) VCF-style: chr7-65546840-G-A.
Other names: c.63G>A, p.Met21Ile (NM_001024943.2, NM_001024944.2, NM_001024946.2); short protein forms M21I.
Identifiers: ClinVar variation 4737329 (VCV004737329.2).